The following is an entry in ClinVar:

NM_005060.4(RORC):c.205_208del (p.Arg69fs)

Gene: RORC (RAR related orphan receptor C; minus strand). Cytogenetic location: 1q21.3.
Variant type: Deletion.
Coding change: c.205_208del on transcript NM_005060.4 (MANE Select); coding-DNA positions 205 to 208, 4 bases deleted (CGTC; older notation c.205_208delCGTC).
Protein change: p.Arg69fs; shifts the reading frame from arginine 69.
Molecular consequence: frameshift variant.
Genome position (GRCh38, 1-based): chr1:151,816,754-151,816,757, GACG deleted on the plus strand (CGTC on the coding strand, the reverse complement: RORC is on the minus strand); deleting any 4 consecutive bases within chr1:151,816,754-151,816,758 gives the same sequence; the c. name uses the placement nearest the transcript's 3' end. VCF-style (leftmost placement, unchanged base first): chr1-151816753-TGACG-T. GRCh37 (hg19) VCF-style: chr1-151789229-TGACG-T.
Other names: c.142_145del, p.Arg48fs (NM_001001523.2); short protein forms R48fs, R69fs.
Identifiers: ClinVar variation 4725563 (VCV004725563.1).
Genomic context (GRCh38, chr1:151,816,753, plus strand): 5'-TTCTGCAGGCGGCAGTGCTGGCATCGGTTTCGGCTGGTGCGGTCGATGGGGCAGTTCTGC[TGACG>T]GGTGCAGGAGTAGGCCGCGTTACAGCGCTGGCTCCGGCGGAAGAAGCCCTGGGGAAAGCA-3'

ClinVar aggregate classification (germline): Pathogenic (1 of 4 stars; one submission).

Conditions:
Autosomal recessive mendelian susceptibility to mycobacterial diseases due to complete RORgamma receptor deficiency. Also called: Immunodeficiency 42. Identifiers: Orphanet 477857, MedGen C5567647, MONDO:0014710, OMIM 616622.

Submission:

Labcorp Genetics (formerly Invitae), Labcorp
Classification: Pathogenic for Autosomal recessive mendelian susceptibility to mycobacterial diseases due to complete RORgamma receptor deficiency. Last evaluated: 2025-08-23. Review status: criteria provided, single submitter. Criteria: Invitae Variant Classification Sherloc (09022015). Collection method: clinical testing. Allele origin: germline.
Comment: This sequence change creates a premature translational stop signal (p.Arg69Serfs*108) in the RORC gene. It is expected to result in an absent or disrupted protein product. Loss-of-function variants in RORC are known to be pathogenic (PMID: 26160376). This variant is not present in population databases (gnomAD no frequency). This variant has not been reported in the literature in individuals affected with RORC-related conditions. For these reasons, this variant has been classified as Pathogenic.

Literature cited by the submitters: PubMed 26160376.